The following is an entry in ClinVar:

ClinVar aggregate classification (germline): Uncertain significance (1 of 4 stars; one submission).

Allele frequency attached by ClinVar (database versions not stated): gnomAD 0.00001; TOPMed 0.00002; gnomAD exomes 0.00004; ExAC 0.00005.

Submission:

Labcorp Genetics (formerly Invitae), Labcorp
Classification: Uncertain significance. Last evaluated: 2022-07-12. Review status: criteria provided, single submitter. Criteria: Invitae Variant Classification Sherloc (09022015). Collection method: clinical testing. Allele origin: germline.
Comment: In summary, the available evidence is currently insufficient to determine the role of this variant in disease. Therefore, it has been classified as a Variant of Uncertain Significance. Advanced modeling of protein sequence and biophysical properties (such as structural, functional, and spatial information, amino acid conservation, physicochemical variation, residue mobility, and thermodynamic stability) performed at Invitae indicates that this missense variant is not expected to disrupt EARS2 protein function. This variant has not been reported in the literature in individuals affected with EARS2-related conditions. This variant is present in population databases (rs757901328, gnomAD 0.02%). This sequence change replaces threonine, which is neutral and polar, with methionine, which is neutral and non-polar, at codon 160 of the EARS2 protein (p.Thr160Met).

NM_001083614.2(EARS2):c.479C>T (p.Thr160Met)

Gene: EARS2 (glutamyl-tRNA synthetase 2, mitochondrial; minus strand). Cytogenetic location: 16p12.2.
Variant type: single nucleotide variant.
Coding change: c.479C>T on transcript NM_001083614.2 (MANE Select); coding-DNA position 479, C replaced by T.
Protein change: p.Thr160Met; replaces threonine 160 with methionine.
Molecular consequence: missense variant. On other transcripts: non-coding transcript variant (1).
Genome position (GRCh38, 1-based): chr16:23,544,520, G>A on the plus strand (C>T on the coding strand, the complement: EARS2 is on the minus strand). VCF-style: chr16-23544520-G-A. GRCh37 (hg19) VCF-style: chr16-23555841-G-A.
Other names: c.479C>T, p.Thr160Met (NM_001308211.1, NM_133451.1); short protein forms T160M.
Identifiers: ClinVar variation 2419367 (VCV002419367.4), dbSNP rs757901328, ClinGen allele CA7962588.